The following is an entry in ClinVar:

NM_006940.6(SOX5):c.1895C>A (p.Thr632Asn)

Gene: SOX5 (SRY-box transcription factor 5; minus strand). Cytogenetic location: 12p12.1.
Variant type: single nucleotide variant.
Coding change: c.1895C>A on transcript NM_006940.6 (MANE Select); coding-DNA position 1895, C replaced by A.
Protein change: p.Thr632Asn; replaces threonine 632 with asparagine.
Molecular consequence: missense variant.
Genome position (GRCh38, 1-based): chr12:23,536,546, G>T on the plus strand (C>A on the coding strand, the complement: SOX5 is on the minus strand). VCF-style: chr12-23536546-G-T. GRCh37 (hg19) VCF-style: chr12-23689480-G-T.
Other names: c.1856C>A, p.Thr619Asn (NM_152989.5); c.737C>A, p.Thr246Asn (NM_178010.4); c.1532C>A, p.Thr511Asn (NM_001261414.3); c.1865C>A, p.Thr622Asn (NM_001261415.3); c.1790C>A, p.Thr597Asn (NM_001330785.2); short protein forms T619N, T632N, T511N, T246N, T597N, T622N.
Identifiers: ClinVar variation 431148 (VCV000431148.4), dbSNP rs1135401816, ClinGen allele CA384319368.

ClinVar aggregate classification (germline): Likely pathogenic. Review status: criteria provided, single submitter (1 of 4 stars). 2 submissions from 2 submitters: Likely pathogenic (1). 1 of the submissions does not count toward it. Last evaluated 2017-01-06.

Conditions:
Lamb-Shaffer syndrome. Identifiers: Orphanet 313884, Orphanet 313892, Orphanet 530983, MedGen C4225202, MONDO:0014778, OMIM 616803.
Intellectual disability. Also called: Intellectual developmental disorder; Intellectual functioning disability; intellectual disabilities. Identifiers: MedGen C3714756, MeSH D008607, MONDO:0001071, HP:0001249.

Submissions (2):

Groupe Hospitalier Pitie Salpetriere, Uf Genomique Du Developpement, Assistance Publique Hopitaux de Paris Sorbonne Université
Classification: Likely pathogenic for Lamb-Shaffer syndrome. Last evaluated: 2017-01-06. Review status: criteria provided, single submitter. Criteria: ACMG Guidelines, 2015. Collection method: clinical testing. Allele origin: de novo. Affected: yes. Observed: 1 variant allele.
Comment: autism with no language; tall stature; macrocephaly

Institute for Human Genetics, University Hospital Essen
Classification: Uncertain significance for Intellectual disability. Last evaluated: 2019-08-05. Review status: no assertion criteria provided. Collection method: clinical testing. Allele origin: de novo. Inheritance: Autosomal dominant inheritance. Affected: yes. Not counted in ClinVar's aggregate classification.

Literature cited by the submitters: PubMed 28708303 (cited by Groupe Hospitalier Pitie Salpetriere, Uf Genomique Du Developpement, Assistance Publique Hopitaux de Paris Sorbonne Université).